The following is an entry in ClinVar:

ClinVar aggregate classification (germline): Uncertain significance (1 of 4 stars; one submission).

Submission:

CeGaT Center for Human Genetics Tuebingen
Classification: Uncertain significance. Last evaluated: 2024-07-01. Review status: criteria provided, single submitter. Criteria: CeGaT Center For Human Genetics Tuebingen Variant Classification Criteria Version 2. Collection method: clinical testing. Allele origin: germline. Affected: yes. Observed: 2 variant alleles.
Comment: QARS1: PM2, PM3, BP4

NM_005051.3(QARS1):c.2085-7G>T

Gene: QARS1 (glutaminyl-tRNA synthetase 1; minus strand). Cytogenetic location: 3p21.31.
Variant type: single nucleotide variant.
Coding change: c.2085-7G>T on transcript NM_005051.3 (MANE Select); 7 bases into the intron before coding-DNA position 2085, G replaced by T.
Molecular consequence: intron variant.
Genome position (GRCh38, 1-based): chr3:49,098,265, C>A on the plus strand (G>T on the coding strand, the complement: QARS1 is on the minus strand). VCF-style: chr3-49098265-C-A. GRCh37 (hg19) VCF-style: chr3-49135698-C-A.
Other names: c.2052-7G>T (NM_001272073.2).
Identifiers: ClinVar variation 3257684 (VCV003257684.17).